The following is an entry in ClinVar:

NM_002474.3(MYH11):c.3475C>A (p.Leu1159Met)

Gene: MYH11 (myosin heavy chain 11; minus strand). Cytogenetic location: 16p13.11.
Variant type: single nucleotide variant.
Coding change: c.3475C>A on transcript NM_002474.3 (MANE Select); coding-DNA position 3475, C replaced by A.
Protein change: p.Leu1159Met; replaces leucine 1159 with methionine.
Molecular consequence: missense variant.
Genome position (GRCh38, 1-based): chr16:15,735,397, G>T on the plus strand (C>A on the coding strand, the complement: MYH11 is on the minus strand). VCF-style: chr16-15735397-G-T. GRCh37 (hg19) VCF-style: chr16-15829254-G-T.
Other names: c.3475C>A, p.Leu1159Met (NM_022844.3); c.3496C>A, p.Leu1166Met (NM_001040113.2, NM_001040114.2); short protein forms L1159M, L1166M.
Identifiers: ClinVar variation 1731771 (VCV001731771.4), dbSNP rs774318386, ClinGen allele CA7921991.

ClinVar aggregate classification (germline): Uncertain significance. Review status: criteria provided, multiple submitters, no conflicts (2 of 4 stars). 2 submissions from 2 submitters: Uncertain significance (2). Last evaluated 2024-03-07.

Conditions:
Familial thoracic aortic aneurysm and aortic dissection (TAAD). Also called: Thoracic aortic aneurysms and dissections. Identifiers: Orphanet 91387, MedGen C4707243, MONDO:0019625.

Allele frequency attached by ClinVar (database versions not stated): gnomAD exomes below 0.00001; ExAC 0.00001.
gnomAD v4.1: 2 of 1,614,008 alleles (0.00012%); highest among the groups gnomAD compares: Non-Finnish European, 0.000085%; no homozygotes.

Submissions (2):

Color Diagnostics, LLC DBA Color Health
Classification: Uncertain significance for Familial thoracic aortic aneurysm and aortic dissection. Last evaluated: 2024-03-07. Review status: criteria provided, single submitter. Criteria: ACMG Guidelines, 2015. Collection method: clinical testing. Allele origin: germline.
Comment: This missense variant replaces leucine with methionine at codon 1166 of the MYH11 protein. Computational prediction suggests that this variant may not impact protein structure and function (internally defined REVEL score threshold <= 0.5, PMID: 27666373). To our knowledge, functional studies have not been reported for this variant. This variant has not been reported in individuals affected with cardiovascular disorders in the literature. This variant has been identified in 2/251452 chromosomes in the general population by the Genome Aggregation Database (gnomAD). The available evidence is insufficient to determine the role of this variant in disease conclusively. Therefore, this variant is classified as a Variant of Uncertain Significance.

Ambry Genetics
Classification: Uncertain significance for Familial thoracic aortic aneurysm and aortic dissection. Last evaluated: 2021-11-09. Review status: criteria provided, single submitter. Criteria: Ambry Variant Classification Scheme 2023. Collection method: clinical testing. Allele origin: germline.
Comment: The p.L1159M variant (also known as c.3475C>A), located in coding exon 25 of the MYH11 gene, results from a C to A substitution at nucleotide position 3475. The leucine at codon 1159 is replaced by methionine, an amino acid with highly similar properties. This amino acid position is conserved. In addition, the in silico prediction for this alteration is inconclusive. Since supporting evidence is limited at this time, the clinical significance of this alteration remains unclear.